The following is an entry in ClinVar:

ClinVar aggregate classification (germline): Conflicting classifications of pathogenicity. Review status: criteria provided, conflicting classifications (1 of 4 stars). 8 submissions from 8 submitters: Pathogenic (4); Likely pathogenic (3); Uncertain significance (1). Last evaluated 2025-11-06.

Conditions:
RLBP1-related disorder. Also called: RLBP1-related disorders; RLBP1-related condition. Identifiers: MedGen CN239413.
Newfoundland cone-rod dystrophy. Identifiers: MedGen C1843815, MONDO:0011839, OMIM 607476.
Pigmentary retinal dystrophy. Also called: Fundus albipunctatus. Identifiers: Orphanet 227796, Orphanet 52427, MedGen C0311338, MONDO:0007639, OMIM 136880, HP:0030642.
Bothnia retinal dystrophy. Also called: VASTERBOTTEN DYSTROPHY. Identifiers: Orphanet 85128, MedGen C1843816, MONDO:0011838, OMIM 607475.
Retinitis pigmentosa (RP). Identifiers: Orphanet 791, MedGen C0035334, MeSH D012174, MONDO:0019200, OMIM 268000. Inheritance: Autosomal dominant, autosomal recessive and X linked inheritance.

Allele frequency attached by ClinVar (database versions not stated): ExAC 0.00002; gnomAD 0.00003; gnomAD exomes 0.00004; TOPMed 0.00004.
gnomAD v4.1: 64 of 1,614,038 alleles (0.004%); highest among the groups gnomAD compares: Non-Finnish European, 0.0051%; no homozygotes.

Submissions (8):

PreventionGenetics, part of Exact Sciences
Classification: Pathogenic for RLBP1-related condition. Last evaluated: 2025-11-06. Review status: criteria provided, single submitter. Criteria: ACMG Guidelines, 2015. Collection method: clinical testing. Allele origin: germline.
Comment: The RLBP1 c.25C>T variant is predicted to result in the amino acid substitution p.Arg9Cys. This variant is present in 0.0070% of alleles in individuals of European (Non-Finnish) descent in gnomAD. This variant is interpreted as pathogenic.

First Genomix Gene Laboratory, Genetic Diagnostics Department
Classification: Likely pathogenic for Bothnia retinal dystrophy; Pigmentary retinal dystrophy; Newfoundland cone-rod dystrophy. Last evaluated: 2025-06-17. Review status: criteria provided, single submitter. Criteria: ACMG Guidelines, 2015. Collection method: clinical testing. Allele origin: germline. Inheritance: Autosomal recessive inheritance. Affected: no. Observed: 1 variant allele.

Labcorp Genetics (formerly Invitae), Labcorp
Classification: Pathogenic. Last evaluated: 2025-05-25. Review status: criteria provided, single submitter. Criteria: Invitae Variant Classification Sherloc (09022015). Collection method: clinical testing. Allele origin: germline.
Comment: This sequence change replaces arginine, which is basic and polar, with cysteine, which is neutral and slightly polar, at codon 9 of the RLBP1 protein (p.Arg9Cys). This variant is present in population databases (rs775252439, gnomAD 0.006%). This missense change has been observed in individual(s) with clinical features of retinitis punctata albescens (PMID: 23929416, 32188692). In at least one individual the data is consistent with being in trans (on the opposite chromosome) from a pathogenic variant. It has also been observed to segregate with disease in related individuals. ClinVar contains an entry for this variant (Variation ID: 498474). Invitae Evidence Modeling of protein sequence and biophysical properties (such as structural, functional, and spatial information, amino acid conservation, physicochemical variation, residue mobility, and thermodynamic stability) indicates that this missense variant is expected to disrupt RLBP1 protein function with a positive predictive value of 95%. For these reasons, this variant has been classified as Pathogenic.

Blueprint Genetics
Classification: Pathogenic for RLBP1-related disorders. Last evaluated: 2024-11-08. Review status: criteria provided, single submitter. Criteria: ACMG Guidelines, 2015. Collection method: clinical testing. Allele origin: germline. Affected: yes. Observed: 5 variant alleles.

Fulgent Genetics
Classification: Likely pathogenic for Pigmentary retinal dystrophy; Bothnia retinal dystrophy; Newfoundland cone-rod dystrophy. Last evaluated: 2024-02-26. Review status: criteria provided, single submitter. Criteria: ACMG Guidelines, 2015. Collection method: clinical testing. Allele origin: germline.

Women's Health and Genetics/Laboratory Corporation of America, LabCorp
Classification: Pathogenic for Retinitis pigmentosa. Last evaluated: 2022-08-04. Review status: criteria provided, single submitter. Criteria: LabCorp Variant Classification Summary - May 2015. Collection method: clinical testing. Allele origin: germline.
Comment: Variant summary: RLBP1 c.25C>T (p.Arg9Cys) results in a non-conservative amino acid change in the encoded protein sequence. Five of five in-silico tools predict a damaging effect of the variant on protein function. The variant allele was found at a frequency of 4e-05 in 251256 control chromosomes. This frequency is not significantly higher than estimated for a pathogenic variant in RLBP1 causing Retinitis Pigmentosa (4e-05 vs 0.00063), allowing no conclusion about variant significance. c.25C>T has been reported in the literature as a biallelic genotype in multiple individuals affected with features of Retinitis Pigmentosa, specifically Retinitis punctata albescens (RPA) (example, Dessalces_2013, Stone_2017, Lima de Carvalho_2020, Richards_2021). These data indicate that the variant is very likely to be associated with disease. To our knowledge, no experimental evidence demonstrating an impact on protein function has been reported. Three clinical diagnostic laboratories have submitted clinical-significance assessments for this variant to ClinVar after 2014 without evidence for independent evaluation (P/LP, n=2; VUS, n=1). Based on the evidence outlined above, the variant was classified as pathogenic.

3billion
Classification: Likely pathogenic for Newfoundland cone-rod dystrophy. Last evaluated: 2022-05-22. Review status: criteria provided, single submitter. Criteria: ACMG Guidelines, 2015. Collection method: clinical testing. Allele origin: germline. Affected: yes. Observed: 1 heterozygote.
Comment: The variant is observed at an extremely low frequency in the gnomAD v2.1.1 dataset (total allele frequency: 0.004%). In silico tool predictions suggest damaging effect of the variant on gene or gene product (REVEL: 0.66; 3Cnet: 0.37). Same nucleotide change resulting in same amino acid change has been previously reported to be associated with RLBP1 related disorder (PMID: 23929416). The variant has been reported to be in trans with a pathogenic variant as either compound heterozygous or homozygous in at least one similarly affected unrelated individual (PMID: 23929416). Therefore, this variant is classified as likely pathogenic according to the recommendation of ACMG/AMP guideline.

Eurofins Ntd Llc (ga)
Classification: Uncertain significance. Last evaluated: 2016-12-29. Review status: criteria provided, single submitter. Criteria: EGL Classification Definitions 2015. Collection method: clinical testing. Allele origin: germline. Observed: 1 variant allele, 1 heterozygote.

Literature cited by the submitters: PubMed 23929416 (cited by 3 submitters); PubMed 32188692 (cited by Labcorp Genetics (formerly Invitae), Labcorp and Women's Health and Genetics/Laboratory Corporation of America, LabCorp); PubMed 28559085 (cited by Women's Health and Genetics/Laboratory Corporation of America, LabCorp); PubMed 34410188 (cited by Women's Health and Genetics/Laboratory Corporation of America, LabCorp).

NM_000326.5(RLBP1):c.25C>T (p.Arg9Cys)

Gene: RLBP1 (retinaldehyde binding protein 1; minus strand). Cytogenetic location: 15q26.1.
Variant type: single nucleotide variant.
Coding change: c.25C>T on transcript NM_000326.5 (MANE Select); coding-DNA position 25, C replaced by T.
Protein change: p.Arg9Cys; replaces arginine 9 with cysteine.
Molecular consequence: missense variant.
Genome position (GRCh38, 1-based): chr15:89,218,681, G>A on the plus strand (C>T on the coding strand, the complement: RLBP1 is on the minus strand). VCF-style: chr15-89218681-G-A. GRCh37 (hg19) VCF-style: chr15-89761912-G-A.
Other names: c.25C>T (NM_000326.4); short protein forms R9C.
Identifiers: ClinVar variation 498474 (VCV000498474.17), dbSNP rs775252439, ClinGen allele CA7722406.